The following is an entry in ClinVar:

ClinVar aggregate classification (germline): Conflicting classifications of pathogenicity. Review status: criteria provided, conflicting classifications (1 of 4 stars). 2 submissions from 2 submitters: Uncertain significance (1); Likely benign (1). Last evaluated 2025-10-15.

Conditions:
POLD1-related polyposis and colorectal cancer syndrome (CRCS10). Also called: Colorectal cancer 10; COLORECTAL CANCER, SUSCEPTIBILITY TO, ON CHROMOSOME 19q; Colorectal cancer, susceptibility to, 10. Identifiers: Orphanet 220460, MedGen C2675481, MONDO:0012953, OMIM 612591.
Hereditary cancer-predisposing syndrome. Also called: Tumor predisposition; Neoplastic Syndromes, Hereditary; Hereditary Cancer Syndrome; Hereditary neoplastic syndrome. Identifiers: Orphanet 140162, MedGen C0027672, MeSH D009386, MONDO:0015356.

Submissions (2):

Ambry Genetics
Classification: Uncertain significance for Hereditary cancer-predisposing syndrome. Last evaluated: 2025-10-15. Review status: criteria provided, single submitter. Criteria: Ambry Variant Classification Scheme 2023. Collection method: clinical testing. Allele origin: germline.
Comment: The c.1892+5A>G intronic variant results from an A to G substitution 5 nucleotides after coding exon 14 in the POLD1 gene. This nucleotide position is not well conserved in available vertebrate species. In silico splice site analysis predicts that this alteration will not have any significant effect on splicing. Based on the available evidence, the clinical significance of this variant remains unclear.

Labcorp Genetics (formerly Invitae), Labcorp
Classification: Likely benign for POLD1-related polyposis and colorectal cancer syndrome. Last evaluated: 2025-10-14. Review status: criteria provided, single submitter. Criteria: Invitae Variant Classification Sherloc (09022015). Collection method: clinical testing. Allele origin: germline.

NM_002691.4(POLD1):c.1892+5A>G

Gene: POLD1 (DNA polymerase delta 1, catalytic subunit; plus strand). Cytogenetic location: 19q13.33.
Variant type: single nucleotide variant.
Coding change: c.1892+5A>G on transcript NM_002691.4 (MANE Select); 5 bases into the intron after coding-DNA position 1892, A replaced by G.
Molecular consequence: intron variant.
Genome position (GRCh38, 1-based): chr19:50,408,906, A>G. VCF-style: chr19-50408906-A-G. GRCh37 (hg19) VCF-style: chr19-50912163-A-G.
Other names: c.1892+5A>G (NM_001256849.1, LRG_785t1, NM_002691.2); c.1970+5A>G (NM_001308632.1, LRG_785t2).
Identifiers: ClinVar variation 567510 (VCV000567510.9), dbSNP rs1568630477, ClinGen allele CA891844272.
Genomic context (GRCh38, chr19:50,408,906, plus strand): 5'-GCCCACAACCTGTGTTACACCACGCTCCTTCGGCCCGGGACTGCACAGAAACTGGGGTAT[A>G]GTGCCCAATTCAGCATGTGTCCCCCGAGGCCCATCTGGGCCTTCCCTTGGGGGGCTCAGT-3'